The following is an entry in ClinVar:

ClinVar aggregate classification (germline): Uncertain significance (0 of 4 stars; one submission).

Conditions:
KIDINS220-related disorder. Also called: KIDINS220-related condition.

gnomAD v4.1: 10 of 1,607,894 alleles (0.00062%); highest among the groups gnomAD compares: South Asian, 0.0011%; no homozygotes.

Submission:

PreventionGenetics, part of Exact Sciences
Classification: Uncertain significance for KIDINS220-related condition. Last evaluated: 2024-07-11. Review status: no assertion criteria provided. Collection method: clinical testing. Allele origin: germline.
Comment: The KIDINS220 c.259G>A variant is predicted to result in the amino acid substitution p.Val87Ile. To our knowledge, this variant has not been reported in the literature. This variant is reported in 0.00089% of alleles in individuals of European (Non-Finnish) descent in gnomAD. At this time, the clinical significance of this variant is uncertain due to the absence of conclusive functional and genetic evidence.

NM_020738.4(KIDINS220):c.259G>A (p.Val87Ile)

Gene: KIDINS220 (kinase D interacting substrate 220; minus strand). Cytogenetic location: 2p25.1.
Variant type: single nucleotide variant.
Coding change: c.259G>A on transcript NM_020738.4 (MANE Select); coding-DNA position 259, G replaced by A.
Protein change: p.Val87Ile; replaces valine 87 with isoleucine.
Molecular consequence: missense variant. On other transcripts: non-coding transcript variant (2).
Genome position (GRCh38, 1-based): chr2:8,817,665, C>T on the plus strand (G>A on the coding strand, the complement: KIDINS220 is on the minus strand). VCF-style: chr2-8817665-C-T. GRCh37 (hg19) VCF-style: chr2-8957795-C-T.
Other names: c.259G>A, p.Val87Ile (NM_001348729.2, NM_001348731.2, NM_001348732.2 and 9 more transcripts); c.133G>A, p.Val45Ile (NM_001348736.2); short protein forms V45I, V87I.
Identifiers: ClinVar variation 3355141 (VCV003355141.1).